The following is an entry in ClinVar:

NM_015570.4(AUTS2):c.1342C>T (p.Leu448Phe)

Gene: AUTS2 (activator of transcription and developmental regulator AUTS2; plus strand). Cytogenetic location: 7q11.22.
Variant type: single nucleotide variant.
Coding change: c.1342C>T on transcript NM_015570.4 (MANE Select); coding-DNA position 1342, C replaced by T.
Protein change: p.Leu448Phe; replaces leucine 448 with phenylalanine.
Molecular consequence: missense variant.
Genome position (GRCh38, 1-based): chr7:70,764,879, C>T. VCF-style: chr7-70764879-C-T. GRCh37 (hg19) VCF-style: chr7-70229865-C-T.
Other names: c.1342C>T (NM_015570.2); c.1342C>T, p.Leu448Phe (NM_001127231.3); short protein forms L448F.
Identifiers: ClinVar variation 2909225 (VCV002909225.4), dbSNP rs371714496, ClinGen allele CA4280619.
Genomic context (GRCh38, chr7:70,764,879, plus strand): 5'-GCCTCCCCGTTCCCCCTCTCCCTGCCCAACCACAGCCCCCTGCACAGCTTCACACCCACC[C>T]TCCAGCCCCCCGCACACTCACATCACCCCAATATGTTTGCCCCTCCCACTGCTCTGCCTC-3'
Protein context (NP_056385.1, residues 438-458): HSPLHSFTPT[Leu448Phe]QPPAHSHHPN

ClinVar aggregate classification (germline): Uncertain significance. Review status: criteria provided, multiple submitters, no conflicts (2 of 4 stars). 2 submissions from 2 submitters: Uncertain significance (2). Last evaluated 2024-12-03.

Conditions:
Inborn genetic diseases. Identifiers: MedGen C0950123, MeSH D030342.

Allele frequency attached by ClinVar (database versions not stated): ExAC 0.00001; gnomAD 0.00004; ESP Exome Variant Server 0.00008.
gnomAD v4.1: 16 of 1,602,492 alleles (0.001%); highest among the groups gnomAD compares: African/African-American, 0.016%; no homozygotes.

Submissions (2):

Ambry Genetics
Classification: Uncertain significance for Inborn genetic diseases. Last evaluated: 2024-12-03. Review status: criteria provided, single submitter. Criteria: Ambry Variant Classification Scheme 2023. Collection method: clinical testing. Allele origin: germline.

Labcorp Genetics (formerly Invitae), Labcorp
Classification: Uncertain significance. Last evaluated: 2023-10-22. Review status: criteria provided, single submitter. Criteria: Invitae Variant Classification Sherloc (09022015). Collection method: clinical testing. Allele origin: germline.
Comment: This sequence change replaces leucine, which is neutral and non-polar, with phenylalanine, which is neutral and non-polar, at codon 448 of the AUTS2 protein (p.Leu448Phe). This variant is present in population databases (rs371714496, gnomAD 0.02%). This variant has not been reported in the literature in individuals affected with AUTS2-related conditions. Advanced modeling of protein sequence and biophysical properties (such as structural, functional, and spatial information, amino acid conservation, physicochemical variation, residue mobility, and thermodynamic stability) performed at Invitae indicates that this missense variant is expected to disrupt AUTS2 protein function. In summary, the available evidence is currently insufficient to determine the role of this variant in disease. Therefore, it has been classified as a Variant of Uncertain Significance.